The following is an entry in ClinVar:

NM_015205.3(ATP11A):c.442G>A (p.Val148Ile)

Gene: ATP11A (ATPase phospholipid transporting 11A; plus strand). Cytogenetic location: 13q34.
Variant type: single nucleotide variant.
Coding change: c.442G>A on transcript NM_015205.3 (MANE Select); coding-DNA position 442, G replaced by A.
Protein change: p.Val148Ile; replaces valine 148 with isoleucine.
Molecular consequence: missense variant.
Genome position (GRCh38, 1-based): chr13:112,816,083, G>A. VCF-style: chr13-112816083-G-A. GRCh37 (hg19) VCF-style: chr13-113470397-G-A.
Other names: c.442G>A, p.Val148Ile (NM_001405661.1, NM_001405662.1, NM_001405663.1 and 1 more transcripts); short protein forms V148I.
Identifiers: ClinVar variation 4854540 (VCV004854540.1).

ClinVar aggregate classification (germline): Uncertain significance (1 of 4 stars; one submission).

Conditions:
Hearing loss, autosomal dominant 84. Also called: DEAFNESS, AUTOSOMAL DOMINANT 84. Identifiers: MedGen C5676952, MONDO:0030724, OMIM 619810.

Submission:

3billion
Classification: Uncertain significance for Hearing loss, autosomal dominant 84. Last evaluated: 2025-05-17. Review status: criteria provided, single submitter. Criteria: ACMG Guidelines, 2015. Collection method: clinical testing. Allele origin: germline. Affected: yes.
Comment: The variant is not observed in the gnomAD v4.1.0 dataset. Predicted Consequence/Location: Missense variant In silico tool predictions suggest damaging effect of the variant on gene or gene product [REVEL: 0.67 (>=0.6, sensitivity 0.68 and specificity 0.92)]. Therefore, this variant is classified as VUS according to the recommendation of ACMG/AMP guideline.